The following is an entry in ClinVar:

ClinVar aggregate classification (germline): Pathogenic (1 of 4 stars; one submission).

Conditions:
Hereditary cancer-predisposing syndrome. Also called: Hereditary Cancer Syndrome; Neoplastic Syndromes, Hereditary; Tumor predisposition; Hereditary neoplastic syndrome. Identifiers: Orphanet 140162, MedGen C0027672, MeSH D009386, MONDO:0015356.

Submission:

Ambry Genetics
Classification: Pathogenic for Hereditary cancer-predisposing syndrome. Last evaluated: 2020-08-14. Review status: criteria provided, single submitter. Criteria: Ambry Variant Classification Scheme 2023. Collection method: clinical testing. Allele origin: germline.
Comment: The c.5141delA pathogenic mutation, located in coding exon 15 of the APC gene, results from a deletion of one nucleotide at nucleotide position 5141, causing a translational frameshift with a predicted alternate stop codon (p.D1714Vfs*30). This alteration is expected to result in loss of function by premature protein truncation. As such, this alteration is interpreted as a disease-causing mutation.

NM_000038.6(APC):c.5141del (p.Asp1714fs)

Gene: APC (APC regulator of Wnt signaling pathway; plus strand). Cytogenetic location: 5q22.2.
Variant type: Deletion.
Coding change: c.5141del on transcript NM_000038.6 (MANE Select); coding-DNA position 5141, one base deleted (A; older notation c.5141delA).
Protein change: p.Asp1714fs; shifts the reading frame from aspartic acid 1714.
Molecular consequence: frameshift variant.
Genome position (GRCh38, 1-based): chr5:112,840,735, A deleted. VCF-style (leftmost placement, unchanged base first): chr5-112840734-GA-G. GRCh37 (hg19) VCF-style: chr5-112176431-GA-G.
Other names: c.4763del, p.Asp1588fs (NM_001354904.2); c.5195delA, p.Asp1732Valfs (NM_001407447.1, NM_001407448.1, NM_001407449.1); c.4292del, p.Asp1431fs (NM_001354906.2); c.4661del, p.Asp1554fs (NM_001354905.2); c.5225delA, p.Asp1742Valfs (NM_001407446.1); c.5141del, p.Asp1714fs (NM_001127510.3, NM_001354895.2); c.5087del, p.Asp1696fs (NM_001127511.3); c.5195del, p.Asp1732fs (NM_001354896.2); and 16 more; short protein forms D1588fs, D1623fs, D1673fs, D1724fs, D1431fs, D1554fs, D1655fs, D1689fs.
Identifiers: ClinVar variation 1745613 (VCV001745613.2), dbSNP rs2533624025, ClinGen allele CA2580072619.